The following is an entry in ClinVar:

NM_032043.3(BRIP1):c.1226G>T (p.Ser409Ile)

Gene: BRIP1 (BRCA1 interacting DNA helicase 1; minus strand). Cytogenetic location: 17q23.2.
Variant type: single nucleotide variant.
Coding change: c.1226G>T on transcript NM_032043.3 (MANE Select); coding-DNA position 1226, G replaced by T.
Protein change: p.Ser409Ile; replaces serine 409 with isoleucine.
Molecular consequence: missense variant.
Genome position (GRCh38, 1-based): chr17:61,799,214, C>A on the plus strand (G>T on the coding strand, the complement: BRIP1 is on the minus strand). VCF-style: chr17-61799214-C-A. GRCh37 (hg19) VCF-style: chr17-59876575-C-A.
Other names: short protein forms S409I.
Identifiers: ClinVar variation 142118 (VCV000142118.3), dbSNP rs587782247, ClinGen allele CA167452.

ClinVar aggregate classification (germline): Uncertain significance (1 of 4 stars; one submission).

Conditions:
Hereditary cancer-predisposing syndrome. Also called: Neoplastic Syndromes, Hereditary; Tumor predisposition; Hereditary Cancer Syndrome; Hereditary neoplastic syndrome. Identifiers: Orphanet 140162, MedGen C0027672, MeSH D009386, MONDO:0015356.

Submission:

Ambry Genetics
Classification: Uncertain significance for Hereditary cancer-predisposing syndrome. Last evaluated: 2013-12-16. Review status: criteria provided, single submitter. Criteria: Ambry Autosomal Dominant and X-Linked criteria (10/2015). Collection method: clinical testing. Allele origin: germline. Observed: 1 variant allele.
Comment: The p.S409I variant (also known as c.1226G>T), located in coding exon 8 of the BRIP1 gene, results from a G to T substitution at nucleotide position 1226. The serine at codon 409 is replaced by isoleucine, an amino acid with dissimilar properties. This variant was not reported in population based cohorts in the following databases: Database of Single Nucleotide Polymorphisms (dbSNP), NHLBI Exome Sequencing Project (ESP), and 1000 Genomes Project. To date, this alteration has been detected with an allele frequency of approximately 0.01% (greater than 9500 alleles tested) in our clinical cohort (includes this individual).This amino acid position is well conserved through reptiles on sequence alignment.In addition, this alteration is predicted to be possibly damaging and deleterious by PolyPhen and SIFT in silico analyses, respectively.Since supporting evidence is limited at this time, the clinical significance of p.S409I remains unclear.